The following is an entry in ClinVar:

ClinVar aggregate classification (germline): Uncertain significance (1 of 4 stars; one submission).

Submission:

GeneDx
Classification: Uncertain significance. Last evaluated: 2024-10-12. Review status: criteria provided, single submitter. Criteria: GeneDx Variant Classification Process June 2021. Collection method: clinical testing. Allele origin: germline. Affected: yes.
Comment: Not observed at significant frequency in large population cohorts (gnomAD); In silico analysis supports that this missense variant has a deleterious effect on protein structure/function; Has not been previously published as pathogenic or benign to our knowledge

NM_198578.4(LRRK2):c.6073T>G (p.Cys2025Gly)

Gene: LRRK2 (leucine rich repeat kinase 2; plus strand). Cytogenetic location: 12q12.
Variant type: single nucleotide variant.
Coding change: c.6073T>G on transcript NM_198578.4 (MANE Select); coding-DNA position 6073, T replaced by G.
Protein change: p.Cys2025Gly; replaces cysteine 2025 with glycine.
Molecular consequence: missense variant.
Genome position (GRCh38, 1-based): chr12:40,340,418, T>G. VCF-style: chr12-40340418-T-G. GRCh37 (hg19) VCF-style: chr12-40734220-T-G.
Other names: short protein forms C2025G.
Identifiers: ClinVar variation 3777455 (VCV003777455.1).